The following is an entry in ClinVar:

ClinVar aggregate classification (germline): Uncertain significance. Review status: criteria provided, multiple submitters, no conflicts (2 of 4 stars). 3 submissions from 3 submitters: Uncertain significance (2). 1 of the submissions does not count toward it. Last evaluated 2025-03-13.

Conditions:
Hereditary cancer-predisposing syndrome. Also called: Tumor predisposition; Hereditary neoplastic syndrome; Neoplastic Syndromes, Hereditary; Hereditary Cancer Syndrome. Identifiers: Orphanet 140162, MedGen C0027672, MeSH D009386, MONDO:0015356.
EGFR-related lung cancer (EGFR). Identifiers: MedGen CN130014.
Endometrial carcinoma. Also called: Endometrial carcinoma, somatic. Identifiers: MedGen C0476089, MONDO:0002447, OMIM 608089, HP:0012114.

Submissions (3):

Ambry Genetics
Classification: Uncertain significance for Hereditary cancer-predisposing syndrome. Last evaluated: 2025-03-13. Review status: criteria provided, single submitter. Criteria: Ambry Variant Classification Scheme 2023. Collection method: clinical testing. Allele origin: germline.
Comment: The p.D956N variant (also known as c.2866G>A), located in coding exon 24 of the EGFR gene, results from a G to A substitution at nucleotide position 2866. The aspartic acid at codon 956 is replaced by asparagine, an amino acid with highly similar properties. This amino acid position is not well conserved in available vertebrate species. In addition, this alteration is predicted to be tolerated by in silico analysis. Based on the available evidence, the clinical significance of this variant remains unclear.

Labcorp Genetics (formerly Invitae), Labcorp
Classification: Uncertain significance for EGFR-related lung cancer. Last evaluated: 2021-04-01. Review status: criteria provided, single submitter. Criteria: Invitae Variant Classification Sherloc (09022015). Collection method: clinical testing. Allele origin: germline.
Comment: In summary, the available evidence is currently insufficient to determine the role of this variant in disease. Therefore, it has been classified as a Variant of Uncertain Significance. Algorithms developed to predict the effect of missense changes on protein structure and function are either unavailable or do not agree on the potential impact of this missense change (SIFT: "Tolerated"; PolyPhen-2: "Possibly Damaging"; Align-GVGD: "Class C0"). This variant has not been reported in the literature in individuals with EGFR-related conditions. ClinVar contains an entry for this variant (Variation ID: 132964). This variant is not present in population databases (ExAC no frequency). This sequence change replaces aspartic acid with asparagine at codon 956 of the EGFR protein (p.Asp956Asn). The aspartic acid residue is moderately conserved and there is a small physicochemical difference between aspartic acid and asparagine.

Laboratory of Translational Genomics,  National Cancer Institute
No classification provided. Condition: Endometrial carcinoma. Review status: no classification provided. Collection method: not provided. Allele origin: somatic. Not counted in ClinVar's aggregate classification.
Comment: Endometrial Cancer specimen

NM_005228.5(EGFR):c.2866G>A (p.Asp956Asn)

Gene: EGFR (epidermal growth factor receptor; plus strand). Cytogenetic location: 7p11.2.
Variant type: single nucleotide variant.
Coding change: c.2866G>A on transcript NM_005228.5 (MANE Select); coding-DNA position 2866, G replaced by A.
Protein change: p.Asp956Asn; replaces aspartic acid 956 with asparagine.
Molecular consequence: missense variant.
Genome position (GRCh38, 1-based): chr7:55,200,333, G>A. VCF-style: chr7-55200333-G-A. GRCh37 (hg19) VCF-style: chr7-55268026-G-A.
Other names: c.2731G>A, p.Asp911Asn (NM_001346897.2, NM_001346899.2); c.2866G>A, p.Asp956Asn (NM_001346898.2); c.2707G>A, p.Asp903Asn (NM_001346900.2); c.2065G>A, p.Asp689Asn (NM_001346941.2); short protein forms D956N, D903N, D911N, D689N.
Identifiers: ClinVar variation 132964 (VCV000132964.9), dbSNP rs104886026, ClinGen allele CA156294.
Genomic context (GRCh38, chr7:55,200,333, plus strand): 5'-TCCAGTGTTCTAATTGCACTGTTTTTTCTCATTCCTTCCCCAGGCTGGATGATAGACGCA[G>A]ATAGTCGCCCAAAGTTCCGTGAGTTGATCATCGAATTCTCCAAAATGGCCCGAGACCCCC-3'
Protein context (NP_005219.2, residues 946-966): IMVKCWMIDA[Asp956Asn]SRPKFRELII